The following is an entry in ClinVar:

NM_014991.6(WDFY3):c.2903C>T (p.Pro968Leu)

Genes: WDFY3 (WD repeat and FYVE domain containing 3; minus strand), WDFY3-AS1 (WDFY3 antisense RNA 1; plus strand). Cytogenetic location: 4q21.23.
Variant type: single nucleotide variant.
Coding change: c.2903C>T on transcript NM_014991.6 (MANE Select); coding-DNA position 2903, C replaced by T.
Protein change: p.Pro968Leu; replaces proline 968 with leucine.
Molecular consequence: missense variant.
Genome position (GRCh38, 1-based): chr4:84,798,028, G>A on the plus strand (C>T on the coding strand, the complement: WDFY3 is on the minus strand). VCF-style: chr4-84798028-G-A. GRCh37 (hg19) VCF-style: chr4-85719181-G-A.
Other names: short protein forms P968L.
Identifiers: ClinVar variation 3371713 (VCV003371713.1).
Genomic context (GRCh38, chr4:84,798,028, plus strand): 5'-AATCAAAAAAGGGAATTTCAAAACTTACTTCTCATTTCTGGTTCATAACTCAGTGAACTT[G>A]GTTTGTGGACCCTATATTGTTTTAGCAGTTTTTTGTCCCAGGCACCACAATTTAAAGGAC-3'
Protein context (NP_055806.2, residues 958-978): KLLKQYRVHK[Pro968Leu]SSLSYEPEMR

ClinVar aggregate classification (germline): Uncertain significance (1 of 4 stars; one submission).

Submission:

GeneDx
Classification: Uncertain significance. Last evaluated: 2024-04-15. Review status: criteria provided, single submitter. Criteria: GeneDx Variant Classification Process June 2021. Collection method: clinical testing. Allele origin: germline. Affected: yes.
Comment: Not observed at significant frequency in large population cohorts (gnomAD); In silico analysis indicates that this missense variant does not alter protein structure/function; Has not been previously published as pathogenic or benign to our knowledge